The following is an entry in ClinVar:

ClinVar aggregate classification (germline): Likely benign (1 of 4 stars; one submission).

Conditions:
PLXNA3-related disorder. Also called: PLXNA3-related condition.

gnomAD v4.1: 4 of 1,197,057 alleles (0.00033%); highest among the groups gnomAD compares: Non-Finnish European, 0.00045%; no homozygotes.

Submission:

PreventionGenetics, part of Exact Sciences
Classification: Likely benign for PLXNA3-related condition. Last evaluated: 2024-10-09. Review status: criteria provided, single submitter. Criteria: ACMG Guidelines, 2015. Collection method: clinical testing. Allele origin: germline.
Comment: This variant is classified as likely benign based on ACMG/AMP sequence variant interpretation guidelines (Richards et al. 2015 PMID: 25741868, with internal and published modifications).

NM_017514.5(PLXNA3):c.5369+10G>A

Gene: PLXNA3 (plexin A3; plus strand). Cytogenetic location: Xq28.
Variant type: single nucleotide variant.
Coding change: c.5369+10G>A on transcript NM_017514.5 (MANE Select); 10 bases into the intron after coding-DNA position 5369, G replaced by A.
Molecular consequence: intron variant.
Genome position (GRCh38, 1-based): chrX:154,471,327, G>A. VCF-style: chrX-154471327-G-A. GRCh37 (hg19) VCF-style: chrX-153699670-G-A.
Identifiers: ClinVar variation 4988916 (VCV004988916.1).
Genomic context (GRCh38, chrX:154,471,327, plus strand): 5'-CAAACTGCTCTACGCCAAGGACATCCCCAACTACAAGAGCTGGGTGGAGAGGTGGGCTCC[G>A]CCCTGCTGTGGGTGGCAGAGGGCAGGACCTGCCCCTCCCTGGGCTGCCTGTGCGAGGCAG-3'